The following is an entry in ClinVar:

NM_001110556.2(FLNA):c.6467T>C (p.Val2156Ala)

Gene: FLNA (filamin A; minus strand). Cytogenetic location: Xq28.
Variant type: single nucleotide variant.
Coding change: c.6467T>C on transcript NM_001110556.2 (MANE Select); coding-DNA position 6467, T replaced by C.
Protein change: p.Val2156Ala; replaces valine 2156 with alanine.
Molecular consequence: missense variant.
Genome position (GRCh38, 1-based): chrX:154,352,588, A>G on the plus strand (T>C on the coding strand, the complement: FLNA is on the minus strand). VCF-style: chrX-154352588-A-G. GRCh37 (hg19) VCF-style: chrX-153580956-A-G.
Other names: c.6443T>C, p.Val2148Ala (NM_001456.4); short protein forms V2148A, V2156A.
Identifiers: ClinVar variation 3362116 (VCV003362116.1).
Genomic context (GRCh38, chrX:154,352,588, plus strand): 5'-TCCCCAGGCTTCCCACAGCCCCTACCAGGGATTTTCAGGCTGAGGTCACAATGACTACCA[A>G]CGTTGGCCACTGAAGGAGCCCGACGCCTGCGGGTGATGCTCTCTTTCACCCGGCCCTCGC-3'
Protein context (NP_001104026.1, residues 2146-2166): RRRRAPSVAN[Val2156Ala]GSHCDLSLKI

ClinVar aggregate classification (germline): Uncertain significance (1 of 4 stars; one submission).

Submission:

GeneDx
Classification: Uncertain significance. Last evaluated: 2023-05-25. Review status: criteria provided, single submitter. Criteria: GeneDx Variant Classification Process June 2021. Collection method: clinical testing. Allele origin: germline. Affected: yes.
Comment: Has not been previously published as pathogenic or benign to our knowledge; Not observed at significant frequency in large population cohorts (gnomAD); In silico analysis supports that this missense variant has a deleterious effect on protein structure/function